The following is an entry in ClinVar:

ClinVar aggregate classification (germline): Uncertain significance (1 of 4 stars; one submission).

Allele frequency attached by ClinVar (database versions not stated): gnomAD exomes below 0.00001.
gnomAD v4.1: 1 of 1,613,866 alleles (0.000062%); highest among the groups gnomAD compares: Admixed American, 0.0017%; no homozygotes.

Submission:

Labcorp Genetics (formerly Invitae), Labcorp
Classification: Uncertain significance. Last evaluated: 2022-07-19. Review status: criteria provided, single submitter. Criteria: Invitae Variant Classification Sherloc (09022015). Collection method: clinical testing. Allele origin: germline.
Comment: In summary, the available evidence is currently insufficient to determine the role of this variant in disease. Therefore, it has been classified as a Variant of Uncertain Significance. Algorithms developed to predict the effect of missense changes on protein structure and function are either unavailable or do not agree on the potential impact of this missense change (SIFT: "Deleterious"; PolyPhen-2: "Probably Damaging"; Align-GVGD: "Class C0"). This variant has not been reported in the literature in individuals affected with RP1-related conditions. This variant is not present in population databases (gnomAD no frequency). This sequence change replaces lysine, which is basic and polar, with glutamine, which is neutral and polar, at codon 870 of the RP1 protein (p.Lys870Gln).

NM_006269.2(RP1):c.2608A>C (p.Lys870Gln)

Gene: RP1 (RP1 axonemal microtubule associated; plus strand). Cytogenetic location: 8q12.1.
Variant type: single nucleotide variant.
Coding change: c.2608A>C on transcript NM_006269.2 (MANE Select); coding-DNA position 2608, A replaced by C.
Protein change: p.Lys870Gln; replaces lysine 870 with glutamine.
Molecular consequence: missense variant. On other transcripts: intron variant (1).
Genome position (GRCh38, 1-based): chr8:54,626,490, A>C. VCF-style: chr8-54626490-A-C. GRCh37 (hg19) VCF-style: chr8-55539050-A-C.
Other names: c.787+4202A>C (NM_001375654.1); short protein forms K870Q.
Identifiers: ClinVar variation 2097369 (VCV002097369.4), dbSNP rs2536575757, ClinGen allele CA370994222.